The following is an entry in ClinVar:

NM_021942.6(TRAPPC11):c.464C>T (p.Ser155Leu)

Gene: TRAPPC11 (trafficking protein particle complex subunit 11; plus strand). Cytogenetic location: 4q35.1.
Variant type: single nucleotide variant.
Coding change: c.464C>T on transcript NM_021942.6 (MANE Select); coding-DNA position 464, C replaced by T.
Protein change: p.Ser155Leu; replaces serine 155 with leucine.
Molecular consequence: missense variant.
Genome position (GRCh38, 1-based): chr4:183,668,021, C>T. VCF-style: chr4-183668021-C-T. GRCh37 (hg19) VCF-style: chr4-184589174-C-T.
Other names: c.464C>T, p.Ser155Leu (NM_199053.3); short protein forms S155L.
Identifiers: ClinVar variation 800913 (VCV000800913.3), dbSNP rs868721699, ClinGen allele CA111836036.

ClinVar aggregate classification (germline): Uncertain significance. Review status: criteria provided, multiple submitters, no conflicts (2 of 4 stars). 3 submissions from 3 submitters: Uncertain significance (2). 1 of the submissions does not count toward it. Last evaluated 2025-11-13.

Conditions:
Autosomal recessive limb-girdle muscular dystrophy type R18 (LGMDR18). Also called: Limb-girdle muscular dystrophy, type 2S; MUSCULAR DYSTROPHY, LIMB-GIRDLE, AUTOSOMAL RECESSIVE 18; Autosomal recessive limb-girdle muscular dystrophy type 2S. Identifiers: Orphanet 369840, MedGen C4517996, MONDO:0014144, OMIM 615356.

Allele frequency attached by ClinVar (database versions not stated): gnomAD exomes below 0.00001.
gnomAD v4.1: 2 of 1,611,768 alleles (0.00012%); highest among the groups gnomAD compares: Middle Eastern, 0.033%; no homozygotes.

Submissions (3):

Women's Health and Genetics/Laboratory Corporation of America, LabCorp
Classification: Uncertain significance. Last evaluated: 2025-11-13. Review status: criteria provided, single submitter. Criteria: LabCorp Variant Classification Summary - May 2015. Collection method: clinical testing. Allele origin: germline.
Comment: Variant summary: TRAPPC11 c.464C>T (p.Ser155Leu) results in a non-conservative amino acid change in the encoded protein sequence. Algorithms developed to predict the effect of missense changes on protein structure and function are either unavailable or do not agree on the potential impact of this missense change. The variant was absent in 251046 control chromosomes. c.464C>T has been observed in individual(s) affected with Limb-Girdle Muscular Dystrophy, Autosomal Recessive (Alfares_2017, Maddirevula_2020). These data indicate that the variant may be associated with disease. To our knowledge, no experimental evidence demonstrating an impact on protein function has been reported. The following publications have been ascertained in the context of this evaluation (PMID: 37644014, 28454995, 32552793). ClinVar contains an entry for this variant (Variation ID: 800913). Based on the evidence outlined above, the variant was classified as VUS-possibly pathogenic.

GeneDx
Classification: Uncertain significance. Last evaluated: 2024-02-13. Review status: criteria provided, single submitter. Criteria: GeneDx Variant Classification Process June 2021. Collection method: clinical testing. Allele origin: germline. Affected: yes.
Comment: Observed in homozygous state in several unrelated patients referred for genetic testing at GeneDx and in published literature and not observed in homozygous state in controls (PMID: 32552793); In silico analysis supports that this missense variant has a deleterious effect on protein structure/function; In silico analysis is inconclusive as to whether the variant alters gene splicing. In the absence of RNA/functional studies, the actual effect of this sequence change is unknown.; Not observed at significant frequency in large population cohorts (gnomAD); This variant is associated with the following publications: (PMID: 28454995, 32552793)

Biochemical Molecular Genetic Laboratory, King Abdulaziz Medical City
Classification: Likely pathogenic for Autosomal recessive limb-girdle muscular dystrophy type R18. Last evaluated: 2019-09-26. Review status: no assertion criteria provided. Collection method: clinical testing. Allele origin: germline. Affected: yes. Not counted in ClinVar's aggregate classification.

Literature cited by the submitters: PubMed 28454995 (cited by Women's Health and Genetics/Laboratory Corporation of America, LabCorp); PubMed 32552793 (cited by Women's Health and Genetics/Laboratory Corporation of America, LabCorp); PubMed 37644014 (cited by Women's Health and Genetics/Laboratory Corporation of America, LabCorp).